The following is an entry in ClinVar:

NM_020631.6(PLEKHG5):c.1414T>G (p.Cys472Gly)

Gene: PLEKHG5 (pleckstrin homology and RhoGEF domain containing G5; minus strand). Cytogenetic location: 1p36.31.
Variant type: single nucleotide variant.
Coding change: c.1414T>G on transcript NM_020631.6 (MANE Select); coding-DNA position 1414, T replaced by G.
Protein change: p.Cys472Gly; replaces cysteine 472 with glycine.
Molecular consequence: missense variant.
Genome position (GRCh38, 1-based): chr1:6,470,863, A>C on the plus strand (T>G on the coding strand, the complement: PLEKHG5 is on the minus strand). VCF-style: chr1-6470863-A-C. GRCh37 (hg19) VCF-style: chr1-6530923-A-C.
Other names: c.1525T>G, p.Cys509Gly (NM_001042663.3, NM_001265592.2); c.1414T>G, p.Cys472Gly (NM_001042664.2, NM_001042665.2, NM_001265594.3 and 1 more transcripts); c.1621T>G, p.Cys541Gly (NM_001265593.2); short protein forms C472G, C541G, C509G.
Identifiers: ClinVar variation 640584 (VCV000640584.6), dbSNP rs1382976948, ClinGen allele CA338127106.
Genomic context (GRCh38, chr1:6,470,863, plus strand): 5'-GGTACTTGGTGAGCCGCTGGTGGGGTTTGGCCAGCATGTCGCTCAGCTTCAGCCTCTGGC[A>C]CTGTGGGTGCTTCTCCGCCCACTGCGGTGGGGGAGTGGGGGCGGGCTCAGGGCAGGCCCC-3'
Protein context (NP_065682.2, residues 462-482): YITWAEKHPQ[Cys472Gly]QRLKLSDMLA

ClinVar aggregate classification (germline): Uncertain significance (1 of 4 stars; one submission).

Conditions:
Charcot-Marie-Tooth disease recessive intermediate C. Also called: CHARCOT-MARIE-TOOTH NEUROPATHY, RECESSIVE INTERMEDIATE C. Identifiers: Orphanet 369867, MedGen C3809309, MONDO:0014154, OMIM 615376.
Neuronopathy, distal hereditary motor, autosomal recessive 4. Also called: Autosomal recessive lower motor neuron disease with childhood onset; NEUROPATHY, DISTAL HEREDITARY MOTOR, AUTOSOMAL RECESSIVE 4. Identifiers: Orphanet 206580, MedGen C1970211, MONDO:0012608, OMIM 611067.

Allele frequency attached by ClinVar (database versions not stated): gnomAD 0.00001; TOPMed 0.00001.
gnomAD v4.1: 6 of 1,573,054 alleles (0.00038%); highest among the groups gnomAD compares: Non-Finnish European, 0.00052%; no homozygotes.

Submission:

Labcorp Genetics (formerly Invitae), Labcorp
Classification: Uncertain significance for Neuronopathy, distal hereditary motor, autosomal recessive 4; Charcot-Marie-Tooth disease recessive intermediate C. Last evaluated: 2021-09-02. Review status: criteria provided, single submitter. Criteria: Invitae Variant Classification Sherloc (09022015). Collection method: clinical testing. Allele origin: germline.
Comment: This sequence change replaces cysteine with glycine at codon 472 of the PLEKHG5 protein (p.Cys472Gly). The cysteine residue is moderately conserved and there is a large physicochemical difference between cysteine and glycine. This variant is not present in population databases (ExAC no frequency). This variant has not been reported in the literature in individuals affected with PLEKHG5-related conditions. Algorithms developed to predict the effect of missense changes on protein structure and function are either unavailable or do not agree on the potential impact of this missense change (SIFT: "Deleterious"; PolyPhen-2: "Possibly Damaging"; Align-GVGD: "Class C0"). In summary, the available evidence is currently insufficient to determine the role of this variant in disease. Therefore, it has been classified as a Variant of Uncertain Significance.